The following is an entry in ClinVar:

NM_030930.4(UNC93B1):c.97-12C>A

Genes: UNC93B1 (unc-93B1 regulator of TLR signaling; minus strand), LOC130006235 (ATAC-STARR-seq lymphoblastoid silent region 3653; plus strand). Cytogenetic location: 11q13.2.
Variant type: single nucleotide variant.
Coding change: c.97-12C>A on transcript NM_030930.4 (MANE Select); 12 bases into the intron before coding-DNA position 97, C replaced by A.
Molecular consequence: intron variant.
Genome position (GRCh38, 1-based): chr11:68,003,810, G>T on the plus strand (C>A on the coding strand, the complement: UNC93B1 is on the minus strand). VCF-style: chr11-68003810-G-T. GRCh37 (hg19) VCF-style: chr11-67771280-G-T.
Identifiers: ClinVar variation 1387933 (VCV001387933.8), dbSNP rs1037340676, ClinGen allele CA224219162.
Genomic context (GRCh38, chr11:68,003,810, plus strand): 5'-CCTCCTCCTCCTCGTTGTAGTTGGGGTACGCGCCCACCAGCTCGTCCAGCTGCGAGCCAC[G>T]CACGCCGCTCGCACCCGCGATCGCGCCCCGAACCCGTGTCCCCCGGTGCCCGCCGCCCCC-3'

ClinVar aggregate classification (germline): Uncertain significance (1 of 4 stars; one submission).

Conditions:
Encephalopathy, acute, infection-induced (herpes-specific), susceptibility to, 1. Also called: Herpes simplex encephalitis, susceptibility to, 1. Identifiers: Orphanet 1930, MedGen C2750180, MONDO:0024563, OMIM 610551.

Allele frequency attached by ClinVar (database versions not stated): TOPMed 0.00001; gnomAD 0.00001.

Submission:

Labcorp Genetics (formerly Invitae), Labcorp
Classification: Uncertain significance for Encephalopathy, acute, infection-induced (herpes-specific), susceptibility to, 1. Last evaluated: 2021-03-31. Review status: criteria provided, single submitter. Criteria: Invitae Variant Classification Sherloc (09022015). Collection method: clinical testing. Allele origin: germline.
Comment: Algorithms developed to predict the effect of sequence changes on RNA splicing suggest that this variant may create or strengthen a splice site, but this prediction has not been confirmed by published transcriptional studies. In summary, the available evidence is currently insufficient to determine the role of this variant in disease. Therefore, it has been classified as a Variant of Uncertain Significance. This variant has not been reported in the literature in individuals with UNC93B1-related conditions. This sequence change falls in intron 1 of the UNC93B1 gene. It does not directly change the encoded amino acid sequence of the UNC93B1 protein. The frequency data for this variant in the population databases is considered unreliable, as metrics indicate insufficient coverage at this position in the ExAC database.